The following is an entry in ClinVar:

ClinVar aggregate classification (germline): Pathogenic (1 of 4 stars; one submission).

Conditions:
Telangiectasia, hereditary hemorrhagic, type 2 (HHT2). Also called: ACVRL1-Related Hereditary Hemorrhagic Telangiectasia; Telangiectasia, hereditary hemorrhagic, type II. Identifiers: Orphanet 774, MedGen C1838163, MONDO:0010880, OMIM 600376. Disease mechanism: loss of function.

Submission:

Labcorp Genetics (formerly Invitae), Labcorp
Classification: Pathogenic for Telangiectasia, hereditary hemorrhagic, type 2. Last evaluated: 2019-09-03. Review status: criteria provided, single submitter. Criteria: Invitae Variant Classification Sherloc (09022015). Collection method: clinical testing. Allele origin: germline.
Comment: For these reasons, this variant has been classified as Pathogenic. This variant disrupts the C-terminus of the ACVRL1 protein. Other variant(s) that disrupt this region (p.Arg479*) have been determined to be pathogenic (PMID: 15024723, 15065824, 15517393, 15712271, 16429404, 16540754, 18673552, 21158752, 23722869). This suggests that variants that disrupt this region of the protein are likely to be causative of disease. Algorithms developed to predict the effect of sequence changes on RNA splicing suggest that this variant may create or strengthen a splice site, but this prediction has not been confirmed by published transcriptional studies. This variant has not been reported in the literature in individuals with ACVRL1-related conditions. This variant is not present in population databases (ExAC no frequency). This sequence change results in a premature translational stop signal in the ACVRL1 gene (p.Tyr473*). While this is not anticipated to result in nonsense mediated decay, it is expected to disrupt the last 31 amino acids of the ACVRL1 protein.

Literature cited by the submitters: PubMed 15024723; PubMed 15065824; PubMed 15517393; PubMed 15712271; PubMed 16429404; PubMed 16540754; PubMed 18673552; PubMed 21158752; PubMed 23722869.

NM_000020.3(ACVRL1):c.1419C>A (p.Tyr473Ter)

Gene: ACVRL1 (activin A receptor like type 1; plus strand). Cytogenetic location: 12q13.13.
Variant type: single nucleotide variant.
Coding change: c.1419C>A on transcript NM_000020.3 (MANE Select); coding-DNA position 1419, C replaced by A.
Protein change: p.Tyr473Ter; replaces tyrosine 473 with a stop codon.
Molecular consequence: nonsense.
Genome position (GRCh38, 1-based): chr12:51,920,800, C>A. VCF-style: chr12-51920800-C-A. GRCh37 (hg19) VCF-style: chr12-52314584-C-A.
Other names: c.1419C>A, p.Tyr473Ter (NM_001077401.2); short protein forms Y473*.
Identifiers: ClinVar variation 939034 (VCV000939034.9), dbSNP rs1940955656, ClinGen allele CA384905547.